The following is an entry in ClinVar:

NM_024665.7(TBL1XR1):c.466G>A (p.Glu156Lys)

Gene: TBL1XR1 (TBL1X/Y related 1; minus strand). Cytogenetic location: 3q26.32.
Variant type: single nucleotide variant.
Coding change: c.466G>A on transcript NM_024665.7 (MANE Select); coding-DNA position 466, G replaced by A.
Protein change: p.Glu156Lys; replaces glutamic acid 156 with lysine.
Molecular consequence: missense variant.
Genome position (GRCh38, 1-based): chr3:177,050,572, C>T on the plus strand (G>A on the coding strand, the complement: TBL1XR1 is on the minus strand). VCF-style: chr3-177050572-C-T. GRCh37 (hg19) VCF-style: chr3-176768360-C-T.
Other names: c.466G>A, p.Glu156Lys (NM_001321193.3, NM_001321194.3, NM_001374327.1 and 2 more transcripts); c.205G>A, p.Glu69Lys (NM_001321195.3, NM_001374330.1); short protein forms E69K, E156K.
Identifiers: ClinVar variation 4733413 (VCV004733413.1).

ClinVar aggregate classification (germline): Uncertain significance (1 of 4 stars; one submission).

Conditions:
Pierpont syndrome (PRPTS). Identifiers: Orphanet 487825, MedGen C1865644, MONDO:0011213, OMIM 602342.

Submission:

Labcorp Genetics (formerly Invitae), Labcorp
Classification: Uncertain significance for Pierpont syndrome. Last evaluated: 2025-12-16. Review status: criteria provided, single submitter. Criteria: Invitae Variant Classification Sherloc (09022015). Collection method: clinical testing. Allele origin: germline.
Comment: This sequence change replaces glutamic acid, which is acidic and polar, with lysine, which is basic and polar, at codon 156 of the TBL1XR1 protein (p.Glu156Lys). This variant is not present in population databases (gnomAD no frequency). This variant has not been reported in the literature in individuals affected with TBL1XR1-related conditions. An algorithm developed to predict the effect of missense changes on protein structure and function (PolyPhen-2) suggests that this variant is likely to be tolerated. In summary, the available evidence is currently insufficient to determine the role of this variant in disease. Therefore, it has been classified as a Variant of Uncertain Significance.